The following is an entry in ClinVar:

NM_000027.4(AGA):c.559A>G (p.Ile187Val)

Gene: AGA (aspartylglucosaminidase; minus strand). Cytogenetic location: 4q34.3.
Variant type: single nucleotide variant.
Coding change: c.559A>G on transcript NM_000027.4 (MANE Select); coding-DNA position 559, A replaced by G.
Protein change: p.Ile187Val; replaces isoleucine 187 with valine.
Molecular consequence: missense variant. On other transcripts: non-coding transcript variant (1).
Genome position (GRCh38, 1-based): chr4:177,437,468, T>C on the plus strand (A>G on the coding strand, the complement: AGA is on the minus strand). VCF-style: chr4-177437468-T-C. GRCh37 (hg19) VCF-style: chr4-178358622-T-C.
Other names: c.559A>G, p.Ile187Val (NM_001171988.2); short protein forms I187V.
Identifiers: ClinVar variation 1369655 (VCV001369655.8), dbSNP rs2111015706, ClinGen allele CA358782806.

ClinVar aggregate classification (germline): Uncertain significance (1 of 4 stars; one submission).

Conditions:
Aspartylglucosaminuria (AGU). Also called: AGA DEFICIENCY; GLYCOASPARAGINASE; Aspartylglucos-aminuria; Aspartylglucos-amidase (AGA) deficiency; GLYCOSYLASPARAGINASE DEFICIENCY. Identifiers: Orphanet 93, MedGen C0268225, MONDO:0008830, OMIM 208400, HP:0012068.

Submission:

Labcorp Genetics (formerly Invitae), Labcorp
Classification: Uncertain significance for Aspartylglucosaminuria. Last evaluated: 2021-12-02. Review status: criteria provided, single submitter. Criteria: Invitae Variant Classification Sherloc (09022015). Collection method: clinical testing. Allele origin: germline.
Comment: This variant is not present in population databases (gnomAD no frequency). This sequence change replaces isoleucine, which is neutral and non-polar, with valine, which is neutral and non-polar, at codon 187 of the AGA protein (p.Ile187Val). This variant has not been reported in the literature in individuals affected with AGA-related conditions. In summary, the available evidence is currently insufficient to determine the role of this variant in disease. Therefore, it has been classified as a Variant of Uncertain Significance. Algorithms developed to predict the effect of missense changes on protein structure and function output the following: SIFT: "Tolerated"; PolyPhen-2: "Benign"; Align-GVGD: "Class C0". The valine amino acid residue is found in multiple mammalian species, which suggests that this missense change does not adversely affect protein function.